The following is an entry in ClinVar:

NM_000059.4(BRCA2):c.2261_2264del (p.Gln754fs)

Gene: BRCA2 (BRCA2 DNA repair associated; plus strand). Cytogenetic location: 13q13.1.
Variant type: Deletion.
Coding change: c.2261_2264del on transcript NM_000059.4 (MANE Select); coding-DNA positions 2261 to 2264, 4 bases deleted (AATC; older notation c.2261_2264delAATC).
Protein change: p.Gln754fs; shifts the reading frame from glutamine 754.
Molecular consequence: frameshift variant.
Genome position (GRCh38, 1-based): chr13:32,336,616-32,336,619, AATC deleted; deleting any 4 consecutive bases within chr13:32,336,614-32,336,619 gives the same sequence; the c. name uses the placement nearest the transcript's 3' end. VCF-style (leftmost placement, unchanged base first): chr13-32336613-TTCAA-T. GRCh37 (hg19) VCF-style: chr13-32910750-TTCAA-T.
Other names: c.2261_2264delAATC (NM_000059.3); short protein forms Q754fs.
Identifiers: ClinVar variation 481528 (VCV000481528.6), dbSNP rs1555282584, ClinGen allele CA658656369.

ClinVar aggregate classification (germline): Pathogenic (1 of 4 stars; one submission).

Conditions:
Hereditary cancer-predisposing syndrome. Also called: Tumor predisposition; Hereditary Cancer Syndrome; Neoplastic Syndromes, Hereditary; Hereditary neoplastic syndrome. Identifiers: Orphanet 140162, MedGen C0027672, MeSH D009386, MONDO:0015356.

Submission:

Ambry Genetics
Classification: Pathogenic for Hereditary cancer-predisposing syndrome. Last evaluated: 2026-01-27. Review status: criteria provided, single submitter. Criteria: Ambry Variant Classification Scheme 2023. Collection method: clinical testing. Allele origin: germline.
Comment: The c.2261_2264delAATC pathogenic mutation, located in coding exon 10 of the BRCA2 gene, results from a deletion of 4 nucleotides at nucleotide positions 2261 to 2264, causing a translational frameshift with a predicted alternate stop codon (p.Q754Pfs*17). This variant is expected to result in loss of function by premature protein truncation or nonsense-mediated mRNA decay. As such, this variant is interpreted as a disease-causing mutation.